The following is an entry in ClinVar:

NM_004269.4(MED27):c.523G>A (p.Glu175Lys)

Gene: MED27 (mediator complex subunit 27; minus strand). Cytogenetic location: 9q34.13.
Variant type: single nucleotide variant.
Coding change: c.523G>A on transcript NM_004269.4 (MANE Select); coding-DNA position 523, G replaced by A.
Protein change: p.Glu175Lys; replaces glutamic acid 175 with lysine.
Molecular consequence: missense variant.
Genome position (GRCh38, 1-based): chr9:131,939,431, C>T on the plus strand (G>A on the coding strand, the complement: MED27 is on the minus strand). VCF-style: chr9-131939431-C-T. GRCh37 (hg19) VCF-style: chr9-134814818-C-T.
Other names: c.523G>A, p.Glu175Lys (NM_001253881.2); short protein forms E175K.
Identifiers: ClinVar variation 1804299 (VCV001804299.1), dbSNP rs933842047, ClinGen allele CA200621938.

ClinVar aggregate classification (germline): Uncertain significance (1 of 4 stars; one submission).

Allele frequency attached by ClinVar (database versions not stated): gnomAD 0.00001; TOPMed 0.00001.
gnomAD v4.1: 2 of 1,612,168 alleles (0.00012%); highest among the groups gnomAD compares: African/African-American, 0.0027%; no homozygotes.

Submission:

GeneDx
Classification: Uncertain significance. Last evaluated: 2022-06-17. Review status: criteria provided, single submitter. Criteria: GeneDx Variant Classification Process June 2021. Collection method: clinical testing. Allele origin: germline. Affected: yes.
Comment: Not observed at significant frequency in large population cohorts (gnomAD); In silico analysis supports that this missense variant does not alter protein structure/function; Has not been previously published as pathogenic or benign to our knowledge